The following is an entry in ClinVar:

NM_001332.4(CTNND2):c.3462C>T (p.Tyr1154=)

Gene: CTNND2 (catenin delta 2; minus strand). Cytogenetic location: 5p15.2.
Variant type: single nucleotide variant.
Coding change: c.3462C>T on transcript NM_001332.4 (MANE Select); coding-DNA position 3462, C replaced by T.
Protein change: p.Tyr1154=; no amino-acid change (tyrosine 1154 retained).
Molecular consequence: synonymous variant. On other transcripts: non-coding transcript variant (1).
Genome position (GRCh38, 1-based): chr5:10,973,669, G>A on the plus strand (C>T on the coding strand, the complement: CTNND2 is on the minus strand). VCF-style: chr5-10973669-G-A. GRCh37 (hg19) VCF-style: chr5-10973781-G-A.
Other names: c.3189C>T, p.Tyr1063= (NM_001288715.1); c.2451C>T, p.Tyr817= (NM_001288716.1); c.2163C>T, p.Tyr721= (NM_001288717.2); c.2526C>T, p.Tyr842= (NM_001364128.2).
Identifiers: ClinVar variation 724675 (VCV000724675.21), dbSNP rs148459685, ClinGen allele CA3200262.
Genomic context (GRCh38, chr5:10,973,669, plus strand): 5'-GTCCTCGAAGAAGGACTCATCGTAATTTCTTGTGGAATTCTGAAATGGCTGGTAGGTCTC[G>A]TAATCTTTTCTGCTGGGCTCCTGTGGGACTGGCTGTGCTGAAACCTAAACGGGAAAGAAG-3'
Protein context (NP_001323.1, residues 1144-1164): PVPQEPSRKD[Tyr1154=]ETYQPFQNST

ClinVar aggregate classification (germline): Benign/Likely benign. Review status: criteria provided, multiple submitters, no conflicts (2 of 4 stars). 4 submissions from 4 submitters: Benign (1); Likely benign (3). Last evaluated 2026-08-26.

Conditions:
CTNND2-related disorder. Also called: CTNND2-related condition.

Allele frequency attached by ClinVar (database versions not stated): gnomAD 0.00165 and 0.00189; TOPMed 0.00182; ESP Exome Variant Server 0.00231; gnomAD exomes 0.00264 and 0.00272; ExAC 0.00279; 1000 Genomes Project 0.00319; 1000 Genomes Project 30x 0.00390.
gnomAD v4.1: 4,268 of 1,612,878 alleles (0.26%); highest among the groups gnomAD compares: South Asian, 0.95%; 25 homozygotes.

Submissions (4):

PreventionGenetics, part of Exact Sciences
Classification: Likely benign for CTNND2-related condition. Last evaluated: 2026-08-26. Review status: criteria provided, single submitter. Criteria: ACMG Guidelines, 2015. Collection method: clinical testing. Allele origin: germline.
Comment: This variant is classified as likely benign based on ACMG/AMP sequence variant interpretation guidelines (Richards et al. 2015 PMID: 25741868, with internal and published modifications).

CeGaT Center for Human Genetics Tuebingen
Classification: Likely benign. Last evaluated: 2024-11-01. Review status: criteria provided, single submitter. Criteria: CeGaT Center For Human Genetics Tuebingen Variant Classification Criteria Version 2. Collection method: clinical testing. Allele origin: germline. Affected: yes. Observed: 2 variant alleles.
Comment: CTNND2: BP4, BP7, BS2

GeneDx
Classification: Likely benign. Last evaluated: 2021-01-13. Review status: criteria provided, single submitter. Criteria: GeneDx Variant Classification Process June 2021. Collection method: clinical testing. Allele origin: germline. Affected: yes.

Labcorp Genetics (formerly Invitae), Labcorp
Classification: Benign. Last evaluated: 2019-12-31. Review status: criteria provided, single submitter. Criteria: Invitae Variant Classification Sherloc (09022015). Collection method: clinical testing. Allele origin: germline.